The following is an entry in ClinVar:

NM_000214.3(JAG1):c.964T>C (p.Cys322Arg)

Gene: JAG1 (jagged canonical Notch ligand 1; minus strand). Cytogenetic location: 20p12.2.
Variant type: single nucleotide variant.
Coding change: c.964T>C on transcript NM_000214.3 (MANE Select); coding-DNA position 964, T replaced by C.
Protein change: p.Cys322Arg; replaces cysteine 322 with arginine.
Molecular consequence: missense variant.
Genome position (GRCh38, 1-based): chr20:10,652,173, A>G on the plus strand (T>C on the coding strand, the complement: JAG1 is on the minus strand). VCF-style: chr20-10652173-A-G. GRCh37 (hg19) VCF-style: chr20-10632821-A-G.
Other names: short protein forms C322R.
Identifiers: ClinVar variation 3573202 (VCV003573202.2).

Conditions:
Arteriohepatic dysplasia. Also called: Alagille Syndrome. Identifiers: Orphanet 52, MedGen C0085280, MeSH D016738, MONDO:0007318.

Submission:

Gilbert/Spinner Lab, Children's Hospital of Philadelphia
No classification provided (evidence only). Condition: Alagille syndrome. Review status: no classification provided. Collection method: research. Allele origin: not applicable. Functional consequence: functionally_abnormal.
ClinVar note: "not provided" was previously submitted as the classification for the variant. However, the classification appeared to be based only on an observation of functional data so it was converted to no classification on 2025-07-30.